The following is an entry in ClinVar:

ClinVar aggregate classification (germline): Uncertain significance. Review status: criteria provided, multiple submitters, no conflicts (2 of 4 stars). 3 submissions from 3 submitters: Uncertain significance (3). Last evaluated 2025-02-25.

Conditions:
Fanconi anemia complementation group J. Also called: BRIP1-Related Fanconi Anemia. Identifiers: Orphanet 84, MedGen C1836860, MONDO:0012187, OMIM 609054.
Familial cancer of breast. Also called: BREAST CANCER, FAMILIAL; Hereditary breast cancer; hereditary breast carcinoma. Identifiers: Orphanet 227535, MedGen C0346153, MONDO:0016419, OMIM 114480. Disease mechanism: loss of function.
Hereditary cancer-predisposing syndrome. Also called: Hereditary neoplastic syndrome; Neoplastic Syndromes, Hereditary; Tumor predisposition; Hereditary Cancer Syndrome. Identifiers: Orphanet 140162, MedGen C0027672, MeSH D009386, MONDO:0015356.

Allele frequency attached by ClinVar (database versions not stated): gnomAD exomes below 0.00001.
gnomAD v4.1: 2 of 1,614,198 alleles (0.00012%); highest among the groups gnomAD compares: Non-Finnish European, 0.00017%; no homozygotes.

Submissions (3):

Ambry Genetics
Classification: Uncertain significance for Hereditary cancer-predisposing syndrome. Last evaluated: 2025-02-25. Review status: criteria provided, single submitter. Criteria: Ambry Variant Classification Scheme 2023. Collection method: clinical testing. Allele origin: germline.
Comment: The p.E1042G variant (also known as c.3125A>G), located in coding exon 19 of the BRIP1 gene, results from an A to G substitution at nucleotide position 3125. The glutamic acid at codon 1042 is replaced by glycine, an amino acid with similar properties. This amino acid position is poorly conserved in available vertebrate species. In addition, this alteration is predicted to be tolerated by in silico analysis. Since supporting evidence is limited at this time, the clinical significance of this alteration remains unclear.

Labcorp Genetics (formerly Invitae), Labcorp
Classification: Uncertain significance for Familial cancer of breast; Fanconi anemia complementation group J. Last evaluated: 2023-08-16. Review status: criteria provided, single submitter. Criteria: Invitae Variant Classification Sherloc (09022015). Collection method: clinical testing. Allele origin: germline.
Comment: In summary, the available evidence is currently insufficient to determine the role of this variant in disease. Therefore, it has been classified as a Variant of Uncertain Significance. Algorithms developed to predict the effect of missense changes on protein structure and function output the following: SIFT: "Not Available"; PolyPhen-2: "Benign"; Align-GVGD: "Not Available". The glycine amino acid residue is found in multiple mammalian species, which suggests that this missense change does not adversely affect protein function. ClinVar contains an entry for this variant (Variation ID: 481667). This variant has not been reported in the literature in individuals affected with BRIP1-related conditions. This variant is not present in population databases (gnomAD no frequency). This sequence change replaces glutamic acid, which is acidic and polar, with glycine, which is neutral and non-polar, at codon 1042 of the BRIP1 protein (p.Glu1042Gly).

Color Diagnostics, LLC DBA Color Health
Classification: Uncertain significance for Hereditary cancer-predisposing syndrome. Last evaluated: 2019-05-08. Review status: criteria provided, single submitter. Criteria: ACMG Guidelines, 2015. Collection method: clinical testing. Allele origin: germline.

NM_032043.3(BRIP1):c.3125A>G (p.Glu1042Gly)

Gene: BRIP1 (BRCA1 interacting DNA helicase 1; minus strand). Cytogenetic location: 17q23.2.
Variant type: single nucleotide variant.
Coding change: c.3125A>G on transcript NM_032043.3 (MANE Select); coding-DNA position 3125, A replaced by G.
Protein change: p.Glu1042Gly; replaces glutamic acid 1042 with glycine.
Molecular consequence: missense variant.
Genome position (GRCh38, 1-based): chr17:61,683,921, T>C on the plus strand (A>G on the coding strand, the complement: BRIP1 is on the minus strand). VCF-style: chr17-61683921-T-C. GRCh37 (hg19) VCF-style: chr17-59761282-T-C.
Other names: short protein forms E1042G.
Identifiers: ClinVar variation 481667 (VCV000481667.17), dbSNP rs1555572828, ClinGen allele CA400479645.
Genomic context (GRCh38, chr17:61,683,921, plus strand): 5'-GTGTTTACTGTCAGATTTGAGGATTCACATTTATCAGTGAAGGGCAAAACAGTTTTACTT[T>C]CCATCTTCTCTGTTTTGAAACGGGGAGGACTAGAGGCACTATTCTCTGATGACCCGAGCT-3'
Protein context (NP_114432.2, residues 1032-1052): SPPRFKTEKM[Glu1042Gly]SKTVLPFTDK